The following is an entry in ClinVar:

NM_001754.5(RUNX1):c.232A>G (p.Met78Val)

Gene: RUNX1 (RUNX family transcription factor 1; minus strand). Cytogenetic location: 21q22.12.
Variant type: single nucleotide variant.
Coding change: c.232A>G on transcript NM_001754.5 (MANE Select); coding-DNA position 232, A replaced by G.
Protein change: p.Met78Val; replaces methionine 78 with valine.
Molecular consequence: missense variant.
Genome position (GRCh38, 1-based): chr21:34,886,962, T>C on the plus strand (A>G on the coding strand, the complement: RUNX1 is on the minus strand). VCF-style: chr21-34886962-T-C. GRCh37 (hg19) VCF-style: chr21-36259259-T-C.
Other names: NM_001754.5(RUNX1):c.232A>G; p.Met78Val; c.151A>G, p.Met51Val (NM_001001890.3, NM_001122607.2); c.232A>G (NM_001754.4); short protein forms M51V, M78V.
Identifiers: ClinVar variation 1036138 (VCV001036138.10), dbSNP rs878854467, ClinGen allele CA410203842.

ClinVar aggregate classification (germline): Uncertain significance. Review status: reviewed by expert panel (3 of 4 stars). 3 submissions from 3 submitters: Uncertain significance (1). 2 of the submissions do not count toward it. Last evaluated 2025-01-15.

Conditions:
Hereditary thrombocytopenia and hematological cancer predisposition syndrome associated with RUNX1. Also called: PLATELET DISORDER, ASPIRIN-LIKE; Familial Platelet Disorder with Propensity to Acute Myelogenous Leukemia; Familial thrombocytopenia with propensity to acute myelogenous leukemia; RUNX1 Familial Platelet Disorder with Associated Myeloid Malignancies. Identifiers: Orphanet 71290, MedGen C1832388, MeSH C563324, MONDO:0100083, OMIM 601399.
Inborn genetic diseases. Identifiers: MedGen C0950123, MeSH D030342.
Hereditary thrombocytopenia and hematologic cancer predisposition syndrome. Identifiers: Orphanet 71290, MedGen CN281654, MONDO:0011071.

Submissions (3):

ClinGen Myeloid Malignancy Variant Curation Expert Panel
Classification: Uncertain significance for Hereditary thrombocytopenia and hematologic cancer predisposition syndrome. Last evaluated: 2025-01-15. Review status: reviewed by expert panel. Criteria: ClinGen MyeloMalig ACMG Specifications v2. Collection method: curation. Allele origin: germline. Inheritance: Autosomal dominant inheritance.
Comment: NM_001754.5(RUNX1):c.232A>G (p.Met78Val) is a missense variant which is completely absent from all population databases with at least 20x coverage for RUNX1 (PM2_Supporting). In summary, the clinical significance of this variant is uncertain. ACMG/AMP criteria applied, as specified by the Myeloid Malignancy Variant Curation Expert Panel for RUNX1: PM2_supporting.

Ambry Genetics
Classification: Uncertain significance for Inborn genetic diseases. Last evaluated: 2025-09-26. Review status: criteria provided, single submitter. Criteria: Ambry Variant Classification Scheme 2023. Collection method: clinical testing. Allele origin: germline. Not counted in ClinVar's aggregate classification.
Comment: The p.M78V variant (also known as c.232A>G), located in coding exon 3 of the RUNX1 gene, results from an A to G substitution at nucleotide position 232. The methionine at codon 78 is replaced by valine, an amino acid with highly similar properties. This amino acid position is conserved. In addition, this alteration is predicted to be deleterious by in silico analysis. Based on the available evidence, the clinical significance of this variant remains unclear.

Labcorp Genetics (formerly Invitae), Labcorp
Classification: Uncertain significance for Hereditary thrombocytopenia and hematological cancer predisposition syndrome associated with RUNX1. Last evaluated: 2023-09-21. Review status: criteria provided, single submitter. Criteria: Invitae Variant Classification Sherloc (09022015). Collection method: clinical testing. Allele origin: germline. Not counted in ClinVar's aggregate classification.
Comment: ClinVar contains an entry for this variant (Variation ID: 1036138). In summary, the available evidence is currently insufficient to determine the role of this variant in disease. Therefore, it has been classified as a Variant of Uncertain Significance. Advanced modeling of protein sequence and biophysical properties (such as structural, functional, and spatial information, amino acid conservation, physicochemical variation, residue mobility, and thermodynamic stability) has been performed at Invitae for this missense variant, however the output from this modeling did not meet the statistical confidence thresholds required to predict the impact of this variant on RUNX1 protein function. This variant has not been reported in the literature in individuals affected with RUNX1-related conditions. This variant is not present in population databases (gnomAD no frequency). This sequence change replaces methionine, which is neutral and non-polar, with valine, which is neutral and non-polar, at codon 78 of the RUNX1 protein (p.Met78Val).